The following is an entry in ClinVar:

NM_001370259.2(MEN1):c.69TGC[1] (p.Ala25del)

Gene: MEN1 (menin 1; minus strand). Cytogenetic location: 11q13.1.
Variant type: Microsatellite.
Coding change: c.69TGC[1] on transcript NM_001370259.2 (MANE Select); one copy of the 3-base unit TGC starting at c.69; the reference has two copies in a row; one copy, 3 bases deleted.
Protein change: p.Ala25del; deletes alanine 25.
Molecular consequence: inframe deletion. On other transcripts: inframe indel (2), non-coding transcript variant (4).
Genome position (GRCh38, 1-based): chr11:64,810,036-64,810,038, GCA deleted on the plus strand (TGC on the coding strand, the reverse complement: MEN1 is on the minus strand); deleting any 3 consecutive bases within chr11:64,810,036-64,810,041 gives the same sequence; the position shown is the placement nearest the transcript's 3' end. VCF-style (leftmost placement, unchanged base first): chr11-64810035-GGCA-G. GRCh37 (hg19) VCF-style: chr11-64577507-GGCA-G.
Other names: c.72_74delTGC (NM_000244.3); c.69_71TGC[1], p.Ala25del (NM_000244.3); c.69TGC[1], p.Ala25del (NM_000244.4, NM_001370251.2, NM_001370260.2 and 20 more transcripts); short protein forms A25del.
Identifiers: ClinVar variation 4995816 (VCV004995816.1).
Genomic context (GRCh38, chr11:64,810,035, plus strand): 5'-CTCCACGAAGCCCAGCACCAAGGAAAGGAGCACCAGGTCCGGCTCCTCTCGGCCCAGCTC[GGCA>G]GCAAACAGGCGCACCACGTCGTCGATGGAGCGCAGCGGGAACAGCGTCTTCTGGGCGGCC-3'

ClinVar aggregate classification (germline): Uncertain significance (1 of 4 stars; one submission).

Conditions:
MEN1-related disorder. Also called: MEN1-related condition.

Submission:

PreventionGenetics, part of Exact Sciences
Classification: Uncertain significance for MEN1-related condition. Last evaluated: 2026-07-31. Review status: criteria provided, single submitter. Criteria: ACMG Guidelines, 2015. Collection method: clinical testing. Allele origin: germline.
Comment: The MEN1 c.72_74delTGC variant is predicted to result in an in-frame deletion (p.Ala25del). To our knowledge, this variant has not been reported in the literature or in a large population database (gnomAD), indicating this variant is rare. At the time of reporting it was not present in ClinVar. At this time, the clinical significance of this variant is uncertain due to the absence of conclusive functional and genetic evidence.